The following is an entry in ClinVar:

ClinVar aggregate classification (germline): Conflicting classifications of pathogenicity. Review status: criteria provided, conflicting classifications (1 of 4 stars). 6 submissions from 6 submitters: Uncertain significance (1); Likely benign (4). 1 of the submissions does not count toward it. Last evaluated 2026-04-14.

Conditions:
USH1C-related disorder. Also called: USH1C-related condition.
Usher syndrome type 1C. Also called: USHER SYNDROME, TYPE I, ACADIAN VARIETY. Identifiers: Orphanet 231169, Orphanet 886, MedGen C1848604, MONDO:0010171, OMIM 276904.
Autosomal recessive nonsyndromic hearing loss 18A. Also called: Deafness, autosomal recessive 18A; DEAFNESS, AUTOSOMAL RECESSIVE 18. Identifiers: Orphanet 90636, MedGen C1865870, MONDO:0011192, OMIM 602092.

Allele frequency attached by ClinVar (database versions not stated): TOPMed 0.00021; ESP Exome Variant Server 0.00023; gnomAD 0.00029 and 0.00031; 1000 Genomes Project 30x 0.00031; 1000 Genomes Project 0.00040.
gnomAD v4.1: 210 of 1,613,768 alleles (0.013%); highest among the groups gnomAD compares: East Asian, 0.26%; no homozygotes.

Submissions (8):

PreventionGenetics, part of Exact Sciences
Classification: Likely benign for USH1C-related condition. Last evaluated: 2026-04-14. Review status: criteria provided, single submitter. Criteria: ACMG Guidelines, 2015. Collection method: clinical testing. Allele origin: germline.
Comment: This variant is classified as likely benign based on ACMG/AMP sequence variant interpretation guidelines (Richards et al. 2015 PMID: 25741868, with internal and published modifications).

Labcorp Genetics (formerly Invitae), Labcorp
Classification: Likely benign. Last evaluated: 2026-02-01. Review status: criteria provided, single submitter. Criteria: Invitae Variant Classification Sherloc (09022015). Collection method: clinical testing. Allele origin: germline.

Blueprint Genetics
Classification: Likely benign. Last evaluated: 2024-02-15. Review status: criteria provided, single submitter. Criteria: ACMG Guidelines, 2015. Collection method: clinical testing. Allele origin: germline.

GeneDx
Classification: Likely benign. Last evaluated: 2020-08-13. Review status: criteria provided, single submitter. Criteria: GeneDx Variant Classification Process June 2021. Collection method: clinical testing. Allele origin: germline. Affected: yes.
Comment: See Variant Classification Assertion Criteria.

Illumina Laboratory Services, Illumina
Classification: Uncertain significance for Usher syndrome type 1C. Last evaluated: 2018-01-12. Review status: criteria provided, single submitter. Criteria: ICSL Variant Classification Criteria 13 December 2019. Collection method: clinical testing. Allele origin: germline.

Counsyl
Classification: Uncertain significance for Usher syndrome type 1C; Autosomal recessive nonsyndromic hearing loss 18A. Last evaluated: 2018-03-07. Review status: no assertion criteria provided. Collection method: clinical testing. Allele origin: unknown. Not counted in ClinVar's aggregate classification.

Dr. Peter K. Rogan Lab, Western University
No classification provided (evidence only). Condition: Gastric cancer. Review status: no classification provided. Collection method: in vitro. Allele origin: not applicable. Functional consequence: retained intron. Not counted in ClinVar's aggregate classification.

Dr. Peter K. Rogan Lab, Western University
No classification provided (evidence only). Condition: Malignant tumor of esophagus. Review status: no classification provided. Collection method: in vitro. Allele origin: not applicable. Functional consequence: skipped exon, retained intron. Not counted in ClinVar's aggregate classification.

Literature cited by the submitters: PubMed 27460420 (cited by Counsyl).

NM_153676.4(USH1C):c.2487C>T (p.Gly829=)

Gene: USH1C (USH1 protein network component harmonin; minus strand). Cytogenetic location: 11p15.1.
Variant type: single nucleotide variant.
Coding change: c.2487C>T on transcript NM_153676.4 (MANE Select); coding-DNA position 2487, C replaced by T.
Protein change: p.Gly829=; no amino-acid change (glycine 829 retained).
Molecular consequence: synonymous variant. On other transcripts: non-coding transcript variant (1).
Genome position (GRCh38, 1-based): chr11:17,498,165, G>A on the plus strand (C>T on the coding strand, the complement: USH1C is on the minus strand). VCF-style: chr11-17498165-G-A. GRCh37 (hg19) VCF-style: chr11-17519712-G-A.
Other names: c.2487C>T (NM_153676.3); c.1530C>T, p.Gly510= (NM_001297764.2); c.1587C>T, p.Gly529= (NM_005709.4).
Identifiers: ClinVar variation 557049 (VCV000557049.20), dbSNP rs142801489, ClinGen allele CA5904153.